The following is an entry in ClinVar:

ClinVar aggregate classification (germline): Likely benign. Review status: criteria provided, multiple submitters, no conflicts (2 of 4 stars). 4 submissions from 4 submitters: Likely benign (3). 1 of the submissions does not count toward it. Last evaluated 2025-12-11.

Conditions:
COL12A1-related disorder. Also called: COL12A1-related condition.
Ullrich congenital muscular dystrophy 2 (UCMD2). Identifiers: Orphanet 75840, MedGen C4225314, MONDO:0014654, OMIM 616470.
Bethlem myopathy 2 (BTHLM2). Identifiers: Orphanet 536516, Orphanet 610, MedGen C4225313, MONDO:0034022, OMIM 616471.

Allele frequency attached by ClinVar (database versions not stated): gnomAD 0.00006 and 0.00009; ExAC 0.00007; ESP Exome Variant Server 0.00008; gnomAD exomes 0.00008 and 0.00013; TOPMed 0.00009; 1000 Genomes Project 30x 0.00016; 1000 Genomes Project 0.00020.
gnomAD v4.1: 212 of 1,613,418 alleles (0.013%); highest among the groups gnomAD compares: Non-Finnish European, 0.017%; no homozygotes.

Submissions (4):

Labcorp Genetics (formerly Invitae), Labcorp
Classification: Likely benign for Bethlem myopathy 2; Ullrich congenital muscular dystrophy 2. Last evaluated: 2025-12-11. Review status: criteria provided, single submitter. Criteria: Invitae Variant Classification Sherloc (09022015). Collection method: clinical testing. Allele origin: germline.

CeGaT Center for Human Genetics Tuebingen
Classification: Likely benign. Last evaluated: 2025-01-01. Review status: criteria provided, single submitter. Criteria: CeGaT Center For Human Genetics Tuebingen Variant Classification Criteria Version 2. Collection method: clinical testing. Allele origin: germline. Affected: yes. Observed: 2 variant alleles.
Comment: COL12A1: BP4, BP7

GeneDx
Classification: Likely benign. Last evaluated: 2021-04-03. Review status: criteria provided, single submitter. Criteria: GeneDx Variant Classification Process June 2021. Collection method: clinical testing. Allele origin: germline. Affected: yes.

PreventionGenetics, part of Exact Sciences
Classification: Likely benign for COL12A1-related condition. Last evaluated: 2023-01-26. Review status: no assertion criteria provided. Collection method: clinical testing. Allele origin: germline. Not counted in ClinVar's aggregate classification.
Comment: This variant is classified as likely benign based on ACMG/AMP sequence variant interpretation guidelines (Richards et al. 2015 PMID: 25741868, with internal and published modifications).

NM_004370.6(COL12A1):c.525G>A (p.Glu175=)

Gene: COL12A1 (collagen type XII alpha 1 chain; minus strand). Cytogenetic location: 6q13.
Variant type: single nucleotide variant.
Coding change: c.525G>A on transcript NM_004370.6 (MANE Select); coding-DNA position 525, G replaced by A.
Protein change: p.Glu175=; no amino-acid change (glutamic acid 175 retained).
Molecular consequence: synonymous variant. On other transcripts: intron variant (1).
Genome position (GRCh38, 1-based): chr6:75,189,685, C>T on the plus strand (G>A on the coding strand, the complement: COL12A1 is on the minus strand). VCF-style: chr6-75189685-C-T. GRCh37 (hg19) VCF-style: chr6-75899401-C-T.
Other names: c.73+13035G>A (NM_080645.3).
Identifiers: ClinVar variation 542510 (VCV000542510.41), dbSNP rs199736979, ClinGen allele CA3894408.